The following is an entry in ClinVar:

ClinVar aggregate classification (germline): Uncertain significance. Review status: criteria provided, multiple submitters, no conflicts (2 of 4 stars). 2 submissions from 2 submitters: Uncertain significance (2). Last evaluated 2026-02-02.

Conditions:
Beckwith-Wiedemann syndrome (BWS). Also called: EMG SYNDROME; Exomphalos macroglossia gigantism syndrome. Identifiers: Orphanet 116, MedGen C0004903, MONDO:0007534, OMIM 130650.
IMAGe syndrome. Also called: Intrauterine growth retardation, metaphyseal dysplasia, adrenal hypoplasia congenita, and genital anomalies; Intrauterine Growth Restriction, Metaphyseal Dysplasia, Adrenal Hypoplasia Congenita, and Genital Anomalies. Identifiers: Orphanet 85173, MedGen C1846009, MONDO:0013873, OMIM 614732.

Allele frequency attached by ClinVar (database versions not stated): gnomAD below 0.00001 and 0.00010; ExAC 0.09091; gnomAD exomes 0.18750.

Submissions (2):

Labcorp Genetics (formerly Invitae), Labcorp
Classification: Uncertain significance for Beckwith-Wiedemann syndrome. Last evaluated: 2026-02-02. Review status: criteria provided, single submitter. Criteria: Invitae Variant Classification Sherloc (09022015). Collection method: clinical testing. Allele origin: germline.
Comment: This sequence change replaces alanine, which is neutral and non-polar, with threonine, which is neutral and polar, at codon 209 of the CDKN1C protein (p.Ala209Thr). The frequency data for this variant in the population databases is considered unreliable, as metrics indicate poor data quality at this position in the gnomAD database. This variant has not been reported in the literature in individuals affected with CDKN1C-related conditions. ClinVar contains an entry for this variant (Variation ID: 524700). Invitae Evidence Modeling of protein sequence and biophysical properties (such as structural, functional, and spatial information, amino acid conservation, physicochemical variation, residue mobility, and thermodynamic stability) indicates that this missense variant is not expected to disrupt CDKN1C protein function with a negative predictive value of 80%. In summary, the available evidence is currently insufficient to determine the role of this variant in disease. Therefore, it has been classified as a Variant of Uncertain Significance.

Fulgent Genetics
Classification: Uncertain significance for Beckwith-Wiedemann syndrome; IMAGe syndrome. Last evaluated: 2021-12-08. Review status: criteria provided, single submitter. Criteria: ACMG Guidelines, 2015. Collection method: clinical testing. Allele origin: unknown.

NM_001122630.2(CDKN1C):c.592G>A (p.Ala198Thr)

Gene: CDKN1C (cyclin dependent kinase inhibitor 1C; minus strand). Cytogenetic location: 11p15.4.
Variant type: single nucleotide variant.
Coding change: c.592G>A on transcript NM_001122630.2 (MANE Select); coding-DNA position 592, G replaced by A.
Protein change: p.Ala198Thr; replaces alanine 198 with threonine.
Molecular consequence: missense variant. On other transcripts: intron variant (1).
Genome position (GRCh38, 1-based): chr11:2,884,865, C>T on the plus strand (G>A on the coding strand, the complement: CDKN1C is on the minus strand). VCF-style: chr11-2884865-C-T. GRCh37 (hg19) VCF-style: chr11-2906095-C-T.
Other names: c.625G>A, p.Ala209Thr (LRG_533t1, NM_000076.2, NM_001362474.2); c.592G>A, p.Ala198Thr (NM_001122631.2); c.255+337G>A (NM_001362475.2); short protein forms A209T, A198T.
Identifiers: ClinVar variation 524700 (VCV000524700.11), dbSNP rs750581456, ClinGen allele CA5822207.